The following is an entry in ClinVar:

NM_002890.3(RASA1):c.1926dup (p.Val643fs)

Genes: CCNH (cyclin H; minus strand), RASA1 (RAS p21 protein activator 1; plus strand). Cytogenetic location: 5q14.3.
Variant type: Duplication.
Coding change: c.1926dup on transcript NM_002890.3 (MANE Select); coding-DNA position 1926, one base duplicated (T; older notation c.1926dupT).
Protein change: p.Val643fs; shifts the reading frame from valine 643.
Molecular consequence: frameshift variant. On other transcripts: intron variant (1).
Genome position (GRCh38, 1-based): chr5:87,374,312, T duplicated; the last of 3 consecutive T bases (chr5:87,374,310-87,374,312); duplicating any one gives the same sequence. VCF-style (leftmost placement, unchanged base first): chr5-87374309-G-GT. GRCh37 (hg19) VCF-style: chr5-86670126-G-GT.
Other names: c.1926dupT (NM_002890.3); c.1395dup, p.Val466fs (NM_022650.3); c.933+20734dup (NM_001364075.2); short protein forms V466fs, V643fs.
Identifiers: ClinVar variation 1068659 (VCV001068659.48), dbSNP rs2112485022, ClinGen allele CA2499217971.

ClinVar aggregate classification (germline): Pathogenic. Review status: criteria provided, multiple submitters, no conflicts (2 of 4 stars). 2 submissions from 2 submitters: Pathogenic (2). Last evaluated 2020-04-19.

Conditions:
Capillary malformation-arteriovenous malformation syndrome. Also called: Capillary malformation-arteriovenous malformation. Identifiers: Orphanet 137667, MedGen C1842180, MONDO:0012016.
Cardiovascular phenotype. Identifiers: MedGen CN230736.

Submissions (2):

Labcorp Genetics (formerly Invitae), Labcorp
Classification: Pathogenic for Capillary malformation-arteriovenous malformation syndrome. Last evaluated: 2020-04-19. Review status: criteria provided, single submitter. Criteria: Invitae Variant Classification Sherloc (09022015). Collection method: clinical testing. Allele origin: germline.
Comment: This variant is not present in population databases (ExAC no frequency). This sequence change creates a premature translational stop signal (p.Val643Cysfs*3) in the RASA1 gene. It is expected to result in an absent or disrupted protein product. This variant has not been reported in the literature in individuals with RASA1-related conditions. For these reasons, this variant has been classified as Pathogenic. Loss-of-function variants in RASA1 are known to be pathogenic (PMID: 24038909).

Ambry Genetics
Classification: Pathogenic for Cardiovascular phenotype. Last evaluated: 2018-08-17. Review status: criteria provided, single submitter. Criteria: Ambry Variant Classification Scheme 2023. Collection method: clinical testing. Allele origin: germline.
Comment: The c.1926dupT pathogenic mutation, located in coding exon 14 of the RASA1 gene, results from a duplication of T at nucleotide position 1926, causing a translational frameshift with a predicted alternate stop codon (p.V643Cfs*3). This alteration is expected to result in loss of function by premature protein truncation or nonsense-mediated mRNA decay. As such, this alteration is interpreted as a disease-causing mutation.

Literature cited by the submitters: PubMed 24038909 (cited by Labcorp Genetics (formerly Invitae), Labcorp).